The following is an entry in ClinVar:

NM_001687.5(ATP5F1D):c.410C>A (p.Ala137Asp)

Genes: ATP5F1D (ATP synthase F1 subunit delta; plus strand), LOC130062904 (ATAC-STARR-seq lymphoblastoid silent region 9674; plus strand). Cytogenetic location: 19p13.3.
Variant type: single nucleotide variant.
Coding change: c.410C>A on transcript NM_001687.5 (MANE Select); coding-DNA position 410, C replaced by A.
Protein change: p.Ala137Asp; replaces alanine 137 with aspartic acid.
Molecular consequence: missense variant.
Genome position (GRCh38, 1-based): chr19:1,244,340, C>A. VCF-style: chr19-1244340-C-A. GRCh37 (hg19) VCF-style: chr19-1244339-C-A.
Other names: c.410C>A, p.Ala137Asp (NM_001001975.2); short protein forms A137D.
Identifiers: ClinVar variation 3608945 (VCV003608945.2).

ClinVar aggregate classification (germline): Uncertain significance (1 of 4 stars; one submission).

Submission:

Labcorp Genetics (formerly Invitae), Labcorp
Classification: Uncertain significance. Last evaluated: 2024-05-19. Review status: criteria provided, single submitter. Criteria: Invitae Variant Classification Sherloc (09022015). Collection method: clinical testing. Allele origin: germline.
Comment: This sequence change replaces alanine, which is neutral and non-polar, with aspartic acid, which is acidic and polar, at codon 137 of the ATP5D protein (p.Ala137Asp). The frequency data for this variant in the population databases is considered unreliable, as metrics indicate poor data quality at this position in the gnomAD database. This variant has not been reported in the literature in individuals affected with ATP5D-related conditions. An algorithm developed to predict the effect of missense changes on protein structure and function (PolyPhen-2) suggests that this variant is likely to be disruptive. In summary, the available evidence is currently insufficient to determine the role of this variant in disease. Therefore, it has been classified as a Variant of Uncertain Significance.